The following is an entry in ClinVar:

Allele frequency attached by ClinVar (database versions not stated): gnomAD exomes below 0.00001.
gnomAD v4.1: 2 of 1,613,622 alleles (0.00012%); highest among the groups gnomAD compares: Non-Finnish European, 0.00017%; no homozygotes.

Submission:

Human Development and Health, University of Southampton
No classification provided (evidence only). Review status: no classification provided. Collection method: in vitro. Allele origin: not applicable. Functional consequence: sequence_variant_affecting_splicing.
ClinVar note: "not provided" was previously submitted as the classification for the variant. However, the classification appeared to be based only on an observation of functional data so it was converted to no classification on 2025-07-30.

NM_198253.3(TERT):c.3157+3A>G

Gene: TERT (telomerase reverse transcriptase; minus strand). Cytogenetic location: 5p15.33.
Variant type: single nucleotide variant.
Coding change: c.3157+3A>G on transcript NM_198253.3 (MANE Select); 3 bases into the intron after coding-DNA position 3157, A replaced by G.
Molecular consequence: intron variant.
Genome position (GRCh38, 1-based): chr5:1,255,284, T>C on the plus strand (A>G on the coding strand, the complement: TERT is on the minus strand). VCF-style: chr5-1255284-T-C. GRCh37 (hg19) VCF-style: chr5-1255399-T-C.
Other names: c.2968+3A>G (NM_001193376.3).
Identifiers: ClinVar variation 1344559 (VCV001344559.2), dbSNP rs369807900, ClinGen allele CA557563196.